The following is an entry in ClinVar:

NM_000059.4(BRCA2):c.2747G>A (p.Cys916Tyr)

Gene: BRCA2 (BRCA2 DNA repair associated; plus strand). Cytogenetic location: 13q13.1.
Variant type: single nucleotide variant.
Coding change: c.2747G>A on transcript NM_000059.4 (MANE Select); coding-DNA position 2747, G replaced by A.
Protein change: p.Cys916Tyr; replaces cysteine 916 with tyrosine.
Molecular consequence: missense variant.
Genome position (GRCh38, 1-based): chr13:32,337,102, G>A. VCF-style: chr13-32337102-G-A. GRCh37 (hg19) VCF-style: chr13-32911239-G-A.
Other names: c.2747G>A, p.Cys916Tyr (NM_001406719.1, NM_001406720.1); short protein forms C916Y.
Identifiers: ClinVar variation 1795498 (VCV001795498.9), dbSNP rs2072463871, ClinGen allele CA387773632.
Genomic context (GRCh38, chr13:32,337,102, plus strand): 5'-ATGAAAGGAATAATCTTGCTTTAGGAAATACTAAGGAACTTCATGAAACAGACTTGACTT[G>A]TGTAAACGAACCCATTTTCAAGAACTCTACCATGGTTTTATATGGAGACACAGGTGATAA-3'
Protein context (NP_000050.3, residues 906-926): TKELHETDLT[Cys916Tyr]VNEPIFKNST

ClinVar aggregate classification (germline): Conflicting classifications of pathogenicity. Review status: criteria provided, conflicting classifications (1 of 4 stars). 3 submissions from 3 submitters: Uncertain significance (2); Likely benign (1). Last evaluated 2025-05-05.

Conditions:
Hereditary breast ovarian cancer syndrome. Also called: Hereditary breast and ovarian cancer; Hereditary breast and ovarian cancer syndrome; Breast and ovarian cancer; Hereditary breast and/or ovarian cancer syndrome; BRCA1- and BRCA2-Associated Hereditary Breast and Ovarian Cancer; Hereditary breast and ovarian cancer syndrome (HBOC). Identifiers: Orphanet 145, MedGen C0677776, MeSH D061325, MONDO:0003582. Disease mechanism: loss of function.
Hereditary cancer-predisposing syndrome. Also called: Tumor predisposition; Hereditary Cancer Syndrome; Neoplastic Syndromes, Hereditary; Hereditary neoplastic syndrome. Identifiers: Orphanet 140162, MedGen C0027672, MeSH D009386, MONDO:0015356.

gnomAD v4.1: 1 of 1,613,708 alleles (0.000062%); no homozygotes.

Submissions (3):

Labcorp Genetics (formerly Invitae), Labcorp
Classification: Uncertain significance for Hereditary breast ovarian cancer syndrome. Last evaluated: 2025-05-05. Review status: criteria provided, single submitter. Criteria: Invitae Variant Classification Sherloc (09022015). Collection method: clinical testing. Allele origin: germline.
Comment: This sequence change replaces cysteine, which is neutral and slightly polar, with tyrosine, which is neutral and polar, at codon 916 of the BRCA2 protein (p.Cys916Tyr). This variant is not present in population databases (gnomAD no frequency). This variant has not been reported in the literature in individuals affected with BRCA2-related conditions. ClinVar contains an entry for this variant (Variation ID: 1795498). Invitae Evidence Modeling of protein sequence and biophysical properties (such as structural, functional, and spatial information, amino acid conservation, physicochemical variation, residue mobility, and thermodynamic stability) indicates that this missense variant is not expected to disrupt BRCA2 protein function with a negative predictive value of 95%. In summary, the available evidence is currently insufficient to determine the role of this variant in disease. Therefore, it has been classified as a Variant of Uncertain Significance.

University of Washington Department of Laboratory Medicine, University of Washington
Classification: Likely benign for Hereditary cancer-predisposing syndrome. Last evaluated: 2023-03-23. Review status: criteria provided, single submitter. Criteria: Dines et al. (Genet Med. 2020). Collection method: curation. Allele origin: germline.
Comment: Missense variant in a coldspot region where missense variants are very unlikely to be pathogenic (PMID:31911673).

BRCA2 exon 11 coldspot. Reclassification based on statistical prior probability.

Ambry Genetics
Classification: Uncertain significance for Hereditary cancer-predisposing syndrome. Last evaluated: 2020-02-06. Review status: criteria provided, single submitter. Criteria: Ambry Variant Classification Scheme 2023. Collection method: clinical testing. Allele origin: germline.
Comment: The p.C916Y variant (also known as c.2747G>A), located in coding exon 10 of the BRCA2 gene, results from a G to A substitution at nucleotide position 2747. The cysteine at codon 916 is replaced by tyrosine, an amino acid with highly dissimilar properties. This amino acid position is not well conserved in available vertebrate species. In addition, this alteration is predicted to be tolerated by in silico analysis. Since supporting evidence is limited at this time, the clinical significance of this alteration remains unclear.